The following is an entry in ClinVar:

NM_025074.7(FRAS1):c.4516A>G (p.Thr1506Ala)

Gene: FRAS1 (Fraser extracellular matrix complex subunit 1; plus strand). Cytogenetic location: 4q21.21.
Variant type: single nucleotide variant.
Coding change: c.4516A>G on transcript NM_025074.7 (MANE Select); coding-DNA position 4516, A replaced by G.
Protein change: p.Thr1506Ala; replaces threonine 1506 with alanine.
Molecular consequence: missense variant.
Genome position (GRCh38, 1-based): chr4:78,419,039, A>G. VCF-style: chr4-78419039-A-G. GRCh37 (hg19) VCF-style: chr4-79340193-A-G.
Other names: c.4516A>G, p.Thr1506Ala (NM_001166133.2); short protein forms T1506A.
Identifiers: ClinVar variation 1932395 (VCV001932395.5), dbSNP rs989310012, ClinGen allele CA357380116.

ClinVar aggregate classification (germline): Uncertain significance (1 of 4 stars; one submission).

gnomAD v4.1: 2 of 1,576,954 alleles (0.00013%); highest among the groups gnomAD compares: African/African-American, 0.0014%; no homozygotes.

Submission:

Labcorp Genetics (formerly Invitae), Labcorp
Classification: Uncertain significance. Last evaluated: 2022-08-31. Review status: criteria provided, single submitter. Criteria: Invitae Variant Classification Sherloc (09022015). Collection method: clinical testing. Allele origin: germline.
Comment: This variant is not present in population databases (gnomAD no frequency). This sequence change replaces threonine, which is neutral and polar, with alanine, which is neutral and non-polar, at codon 1506 of the FRAS1 protein (p.Thr1506Ala). This variant has not been reported in the literature in individuals affected with FRAS1-related conditions. In summary, the available evidence is currently insufficient to determine the role of this variant in disease. Therefore, it has been classified as a Variant of Uncertain Significance. Algorithms developed to predict the effect of missense changes on protein structure and function (SIFT, PolyPhen-2, Align-GVGD) all suggest that this variant is likely to be disruptive.